The following is an entry in ClinVar:

ClinVar aggregate classification (germline): Uncertain significance. Review status: criteria provided, multiple submitters, no conflicts (2 of 4 stars). 3 submissions from 3 submitters: Uncertain significance (3). Last evaluated 2025-10-23.

Conditions:
Mitochondrial complex II deficiency, nuclear type 1. Also called: SUCCINATE CoQ REDUCTASE DEFICIENCY. Identifiers: Orphanet 3208, MedGen C5700310, MONDO:0100294, OMIM 252011.
Pheochromocytoma/paraganglioma syndrome 5. Also called: Paragangliomas 5; SDHA-Related Hereditary Paraganglioma-Pheochromocytoma Syndrome. Identifiers: Orphanet 29072, MedGen C3279992, MONDO:0013602, OMIM 614165.
Hereditary cancer-predisposing syndrome. Also called: Neoplastic Syndromes, Hereditary; Hereditary Cancer Syndrome; Hereditary neoplastic syndrome; Tumor predisposition. Identifiers: Orphanet 140162, MedGen C0027672, MeSH D009386, MONDO:0015356.

Allele frequency attached by ClinVar (database versions not stated): gnomAD exomes below 0.00001 and 0.00001; gnomAD 0.00002 and 0.00003; TOPMed 0.00007.
gnomAD v4.1: 14 of 1,611,836 alleles (0.00087%); highest among the groups gnomAD compares: African/African-American, 0.004%; no homozygotes.

Submissions (3):

Labcorp Genetics (formerly Invitae), Labcorp
Classification: Uncertain significance for Pheochromocytoma/paraganglioma syndrome 5; Mitochondrial complex II deficiency, nuclear type 1. Last evaluated: 2025-10-23. Review status: criteria provided, single submitter. Criteria: Invitae Variant Classification Sherloc (09022015). Collection method: clinical testing. Allele origin: germline.
Comment: This sequence change replaces valine, which is neutral and non-polar, with methionine, which is neutral and non-polar, at codon 525 of the SDHA protein (p.Val525Met). This variant is present in population databases (no rsID available, gnomAD 0.0009%). This variant has not been reported in the literature in individuals affected with SDHA-related conditions. ClinVar contains an entry for this variant (Variation ID: 472342). Invitae Evidence Modeling of protein sequence and biophysical properties (such as structural, functional, and spatial information, amino acid conservation, physicochemical variation, residue mobility, and thermodynamic stability) has been performed for this missense variant. However, the output from this modeling did not meet the statistical confidence thresholds required to predict the impact of this variant on SDHA protein function. In summary, the available evidence is currently insufficient to determine the role of this variant in disease. Therefore, it has been classified as a Variant of Uncertain Significance.

Ambry Genetics
Classification: Uncertain significance for Hereditary cancer-predisposing syndrome. Last evaluated: 2024-09-18. Review status: criteria provided, single submitter. Criteria: Ambry Variant Classification Scheme 2023. Collection method: clinical testing. Allele origin: germline.
Comment: The p.V525M variant (also known as c.1573G>A), located in coding exon 12 of the SDHA gene, results from a G to A substitution at nucleotide position 1573. The valine at codon 525 is replaced by methionine, an amino acid with highly similar properties. This amino acid position is highly conserved in available vertebrate species. In addition, the in silico prediction for this alteration is inconclusive. Since supporting evidence is limited at this time, the clinical significance of this alteration remains unclear.

GeneDx
Classification: Uncertain significance. Last evaluated: 2022-12-28. Review status: criteria provided, single submitter. Criteria: GeneDx Variant Classification Process June 2021. Collection method: clinical testing. Allele origin: germline. Affected: yes.
Comment: Not observed at significant frequency in large population cohorts (gnomAD); In silico analysis supports that this missense variant has a deleterious effect on protein structure/function; Has not been previously published as pathogenic or benign to our knowledge; This variant is associated with the following publications: (PMID: 31925297)

NM_004168.4(SDHA):c.1573G>A (p.Val525Met)

Gene: SDHA (succinate dehydrogenase complex flavoprotein subunit A; plus strand). Cytogenetic location: 5p15.33.
Variant type: single nucleotide variant.
Coding change: c.1573G>A on transcript NM_004168.4 (MANE Select); coding-DNA position 1573, G replaced by A.
Protein change: p.Val525Met; replaces valine 525 with methionine.
Molecular consequence: missense variant. On other transcripts: intron variant (1).
Genome position (GRCh38, 1-based): chr5:251,013, G>A. VCF-style: chr5-251013-G-A. GRCh37 (hg19) VCF-style: chr5-251128-G-A.
Other names: c.1429G>A, p.Val477Met (NM_001294332.2); c.1552-3380G>A (NM_001330758.2); short protein forms V525M, V477M.
Identifiers: ClinVar variation 472342 (VCV000472342.16), dbSNP rs979815942, ClinGen allele CA112783487.